The following is an entry in ClinVar:

ClinVar aggregate classification (germline): Uncertain significance. Review status: criteria provided, multiple submitters, no conflicts (2 of 4 stars). 2 submissions from 2 submitters: Uncertain significance (2). Last evaluated 2025-04-18.

Conditions:
Hereditary cancer-predisposing syndrome. Also called: Neoplastic Syndromes, Hereditary; Hereditary neoplastic syndrome; Tumor predisposition; Hereditary Cancer Syndrome. Identifiers: Orphanet 140162, MedGen C0027672, MeSH D009386, MONDO:0015356.
Gastrointestinal stromal tumor. Also called: Gastrointestinal stromal tumor, somatic; Gastrointestinal stroma tumor. Identifiers: Orphanet 44890, MedGen C0238198, MeSH D046152, MONDO:0011719, OMIM 606764, HP:0100723.

Submissions (2):

Ambry Genetics
Classification: Uncertain significance for Hereditary cancer-predisposing syndrome. Last evaluated: 2025-04-18. Review status: criteria provided, single submitter. Criteria: Ambry Variant Classification Scheme 2023. Collection method: clinical testing. Allele origin: germline.
Comment: The p.T355N variant (also known as c.1064C>A), located in coding exon 6 of the PDGFRA gene, results from a C to A substitution at nucleotide position 1064. The threonine at codon 355 is replaced by asparagine, an amino acid with similar properties. This amino acid position is conserved. In addition, this alteration is predicted to be tolerated by in silico analysis. Based on the available evidence, the clinical significance of this variant remains unclear.

Labcorp Genetics (formerly Invitae), Labcorp
Classification: Uncertain significance for Gastrointestinal stromal tumor. Last evaluated: 2024-01-19. Review status: criteria provided, single submitter. Criteria: Invitae Variant Classification Sherloc (09022015). Collection method: clinical testing. Allele origin: germline.
Comment: This sequence change replaces threonine, which is neutral and polar, with asparagine, which is neutral and polar, at codon 355 of the PDGFRA protein (p.Thr355Asn). This variant is not present in population databases (gnomAD no frequency). This variant has not been reported in the literature in individuals affected with PDGFRA-related conditions. Advanced modeling of protein sequence and biophysical properties (such as structural, functional, and spatial information, amino acid conservation, physicochemical variation, residue mobility, and thermodynamic stability) performed at Invitae indicates that this missense variant is not expected to disrupt PDGFRA protein function with a negative predictive value of 80%. In summary, the available evidence is currently insufficient to determine the role of this variant in disease. Therefore, it has been classified as a Variant of Uncertain Significance.

NM_006206.6(PDGFRA):c.1064C>A (p.Thr355Asn)

Gene: PDGFRA (platelet derived growth factor receptor alpha; plus strand). Cytogenetic location: 4q12.
Variant type: single nucleotide variant.
Coding change: c.1064C>A on transcript NM_006206.6 (MANE Select); coding-DNA position 1064, C replaced by A.
Protein change: p.Thr355Asn; replaces threonine 355 with asparagine.
Molecular consequence: missense variant.
Genome position (GRCh38, 1-based): chr4:54,267,684, C>A. VCF-style: chr4-54267684-C-A. GRCh37 (hg19) VCF-style: chr4-55133851-C-A.
Other names: c.1064C>A, p.Thr355Asn (NM_001347827.2, NM_001347829.2); c.1139C>A, p.Thr380Asn (NM_001347828.2); c.1103C>A, p.Thr368Asn (NM_001347830.2); short protein forms T355N, T380N, T368N.
Identifiers: ClinVar variation 2981007 (VCV002981007.4), dbSNP rs2110267378, ClinGen allele CA356891718.